The following is an entry in ClinVar:

ClinVar aggregate classification (germline): Uncertain significance. Review status: criteria provided, multiple submitters, no conflicts (2 of 4 stars). 2 submissions from 2 submitters: Uncertain significance (2). Last evaluated 2026-04-20.

Conditions:
Cardiovascular phenotype. Identifiers: MedGen CN230736.

Allele frequency attached by ClinVar (database versions not stated): TOPMed below 0.00001; gnomAD exomes below 0.00001.

Submissions (2):

Ambry Genetics
Classification: Uncertain significance for Cardiovascular phenotype. Last evaluated: 2026-04-20. Review status: criteria provided, single submitter. Criteria: Ambry Variant Classification Scheme 2023. Collection method: clinical testing. Allele origin: germline.

GeneDx
Classification: Uncertain significance. Last evaluated: 2025-02-19. Review status: criteria provided, single submitter. Criteria: GeneDx Variant Classification Process June 2021. Collection method: clinical testing. Allele origin: germline. Affected: yes.
Comment: Not observed at significant frequency in large population cohorts (gnomAD); In silico analysis supports that this missense variant has a deleterious effect on protein structure/function; Has not been previously published as pathogenic or benign to our knowledge

NM_000384.3(APOB):c.10877C>T (p.Thr3626Ile)

Gene: APOB (apolipoprotein B; minus strand). Cytogenetic location: 2p24.1.
Variant type: single nucleotide variant.
Coding change: c.10877C>T on transcript NM_000384.3 (MANE Select); coding-DNA position 10877, C replaced by T.
Protein change: p.Thr3626Ile; replaces threonine 3626 with isoleucine.
Molecular consequence: missense variant.
Genome position (GRCh38, 1-based): chr2:21,005,991, G>A on the plus strand (C>T on the coding strand, the complement: APOB is on the minus strand). VCF-style: chr2-21005991-G-A. GRCh37 (hg19) VCF-style: chr2-21228863-G-A.
Other names: short protein forms T3626I.
Identifiers: ClinVar variation 2249881 (VCV002249881.4), dbSNP rs1663126029, ClinGen allele CA345984784.